The following is an entry in ClinVar:

NM_000090.4(COL3A1):c.3070C>G (p.Arg1024Gly)

Gene: COL3A1 (collagen type III alpha 1 chain; plus strand). Cytogenetic location: 2q32.2.
Variant type: single nucleotide variant.
Coding change: c.3070C>G on transcript NM_000090.4 (MANE Select); coding-DNA position 3070, C replaced by G.
Protein change: p.Arg1024Gly; replaces arginine 1024 with glycine.
Molecular consequence: missense variant.
Genome position (GRCh38, 1-based): chr2:189,006,236, C>G. VCF-style: chr2-189006236-C-G. GRCh37 (hg19) VCF-style: chr2-189870962-C-G.
Other names: short protein forms R1024G.
Identifiers: ClinVar variation 3230294 (VCV003230294.1), dbSNP rs587779479, ClinGen allele CA349844947.

ClinVar aggregate classification (germline): Uncertain significance (1 of 4 stars; one submission).

Conditions:
Familial thoracic aortic aneurysm and aortic dissection (TAAD). Also called: Thoracic aortic aneurysms and dissections. Identifiers: Orphanet 91387, MedGen C4707243, MONDO:0019625.

Submission:

Ambry Genetics
Classification: Uncertain significance for Familial thoracic aortic aneurysm and aortic dissection. Last evaluated: 2024-02-22. Review status: criteria provided, single submitter. Criteria: Ambry Variant Classification Scheme 2023. Collection method: clinical testing. Allele origin: germline.
Comment: The p.R1024G variant (also known as c.3070C>G), located in coding exon 42 of the COL3A1 gene, results from a C to G substitution at nucleotide position 3070. The arginine at codon 1024 is replaced by glycine, an amino acid with dissimilar properties. This amino acid position is highly conserved in available vertebrate species. In addition, this alteration is predicted to be deleterious by in silico analysis. Based on the available evidence, the clinical significance of this alteration remains unclear.